The following is an entry in ClinVar:

NC_000019.10:g.50413424AG[1]

Gene: POLD1 (DNA polymerase delta 1, catalytic subunit; plus strand). Cytogenetic location: 19q13.33.
Variant type: Microsatellite.
Genome position: GRCh38 VCF-style: chr19-50413423-CAG-C. GRCh37 (hg19) VCF-style: chr19-50916680-CAG-C.
Identifiers: ClinVar variation 2711225 (VCV002711225.3), dbSNP rs2514035272, ClinGen allele CA2586570789.

ClinVar aggregate classification (germline): Uncertain significance (1 of 4 stars; one submission).

Conditions:
POLD1-related polyposis and colorectal cancer syndrome (CRCS10). Also called: Colorectal cancer 10; Colorectal cancer, susceptibility to, 10; COLORECTAL CANCER, SUSCEPTIBILITY TO, ON CHROMOSOME 19q. Identifiers: Orphanet 220460, MedGen C2675481, MONDO:0012953, OMIM 612591.

Submission:

Labcorp Genetics (formerly Invitae), Labcorp
Classification: Uncertain significance for POLD1-related polyposis and colorectal cancer syndrome. Last evaluated: 2023-06-11. Review status: criteria provided, single submitter. Criteria: Invitae Variant Classification Sherloc (09022015). Collection method: clinical testing. Allele origin: germline.
Comment: In summary, the available evidence is currently insufficient to determine the role of this variant in disease. Therefore, it has been classified as a Variant of Uncertain Significance. Studies have shown that this premature translational stop signal results in activation of a cryptic splice site and introduces a premature termination codon (Invitae). The resulting mRNA is expected to undergo nonsense-mediated decay. This variant has not been reported in the literature in individuals affected with POLD1-related conditions. This variant is not present in population databases (gnomAD no frequency). This sequence change creates a premature translational stop signal (p.Ser719Argfs*19) in the POLD1 gene. Missense variants that disrupt the 3'-5' exonuclease (proof-reading) activity of the POLD1 protein are associated with PPAP (polymerase proofreading–associated polyposis) (PMID: 23263490, 23447401). However, loss-of-function variants that result in an absent or severely disrupted POLD1 protein, and missense variants outside the exonuclease domain, are unlikely to be associated with PPAP.

Literature cited by the submitters: PubMed 23263490; PubMed 23447401.